The following is an entry in ClinVar:

NM_015158.5(KANK1):c.2894A>G (p.Tyr965Cys)

Gene: KANK1 (KN motif and ankyrin repeat domains 1; plus strand). Cytogenetic location: 9p24.3.
Variant type: single nucleotide variant.
Coding change: c.2894A>G on transcript NM_015158.5 (MANE Select); coding-DNA position 2894, A replaced by G.
Protein change: p.Tyr965Cys; replaces tyrosine 965 with cysteine.
Molecular consequence: missense variant. On other transcripts: non-coding transcript variant (1), intron variant (5).
Genome position (GRCh38, 1-based): chr9:730,246, A>G. VCF-style: chr9-730246-A-G. GRCh37 (hg19) VCF-style: chr9-730246-A-G.
Other names: c.2894A>G (NM_015158.2); c.2894A>G, p.Tyr965Cys (NM_001256876.3, NM_001256877.3, NM_001354331.2 and 1 more transcripts); c.2420A>G, p.Tyr807Cys (NM_001354333.2, NM_001354335.2, NM_001354337.2 and 5 more transcripts); c.2842+52A>G (NM_001354332.2); c.2368+52A>G (NM_001354336.2, NM_001354338.2, NM_001354340.2 and 1 more transcripts); short protein forms Y807C, Y965C.
Identifiers: ClinVar variation 1936294 (VCV001936294.7), dbSNP rs758962617, ClinGen allele CA4960648.

ClinVar aggregate classification (germline): Uncertain significance. Review status: criteria provided, multiple submitters, no conflicts (2 of 4 stars). 2 submissions from 2 submitters: Uncertain significance (2). Last evaluated 2023-05-18.

Allele frequency attached by ClinVar (database versions not stated): gnomAD 0.00001; TOPMed 0.00001; ExAC 0.00002.
gnomAD v4.1: 18 of 1,614,048 alleles (0.0011%); highest among the groups gnomAD compares: African/African-American, 0.004%; no homozygotes.

Submissions (2):

Ambry Genetics
Classification: Uncertain significance. Last evaluated: 2023-05-18. Review status: criteria provided, single submitter. Criteria: Ambry Variant Classification Scheme 2023. Collection method: clinical testing. Allele origin: germline.

Labcorp Genetics (formerly Invitae), Labcorp
Classification: Uncertain significance. Last evaluated: 2022-09-01. Review status: criteria provided, single submitter. Criteria: Invitae Variant Classification Sherloc (09022015). Collection method: clinical testing. Allele origin: germline.
Comment: This sequence change replaces tyrosine, which is neutral and polar, with cysteine, which is neutral and slightly polar, at codon 965 of the KANK1 protein (p.Tyr965Cys). This variant is present in population databases (rs758962617, gnomAD 0.007%). This variant has not been reported in the literature in individuals affected with KANK1-related conditions. Algorithms developed to predict the effect of missense changes on protein structure and function are either unavailable or do not agree on the potential impact of this missense change (SIFT: "Deleterious"; PolyPhen-2: "Possibly Damaging"; Align-GVGD: "Class C0"). Algorithms developed to predict the effect of sequence changes on RNA splicing suggest that this variant may disrupt the consensus splice site. In summary, the available evidence is currently insufficient to determine the role of this variant in disease. Therefore, it has been classified as a Variant of Uncertain Significance.